The following is an entry in ClinVar:

NM_004369.4(COL6A3):c.5426G>A (p.Ser1809Asn)

Gene: COL6A3 (collagen type VI alpha 3 chain; minus strand). Cytogenetic location: 2q37.3.
Variant type: single nucleotide variant.
Coding change: c.5426G>A on transcript NM_004369.4 (MANE Select); coding-DNA position 5426, G replaced by A.
Protein change: p.Ser1809Asn; replaces serine 1809 with asparagine.
Molecular consequence: missense variant.
Genome position (GRCh38, 1-based): chr2:237,366,761, C>T on the plus strand (G>A on the coding strand, the complement: COL6A3 is on the minus strand). VCF-style: chr2-237366761-C-T. GRCh37 (hg19) VCF-style: chr2-238275404-C-T.
Other names: c.3605G>A, p.Ser1202Asn (NM_057166.5); c.4808G>A, p.Ser1603Asn (NM_057167.4); short protein forms S1809N, S1202N, S1603N.
Identifiers: ClinVar variation 499195 (VCV000499195.10), dbSNP rs1553556280, ClinGen allele CA351187468.

ClinVar aggregate classification (germline): Uncertain significance. Review status: criteria provided, multiple submitters, no conflicts (2 of 4 stars). 2 submissions from 2 submitters: Uncertain significance (2). Last evaluated 2021-10-26.

Conditions:
Bethlem myopathy 1A. Also called: MYOPATHY, BENIGN CONGENITAL, WITH CONTRACTURES; Bethlem myopathy 1; Bethlem Muscular Dystrophy. Identifiers: Orphanet 610, MedGen CN029274, MONDO:0024530, OMIM 158810.

Allele frequency attached by ClinVar (database versions not stated): gnomAD exomes below 0.00001.
gnomAD v4.1: 1 of 1,614,274 alleles (0.000062%); highest among the groups gnomAD compares: Admixed American, 0.0017%; no homozygotes.

Submissions (2):

Labcorp Genetics (formerly Invitae), Labcorp
Classification: Uncertain significance for Bethlem myopathy 1A. Last evaluated: 2021-10-26. Review status: criteria provided, single submitter. Criteria: Invitae Variant Classification Sherloc (09022015). Collection method: clinical testing. Allele origin: germline.
Comment: In summary, the available evidence is currently insufficient to determine the role of this variant in disease. Therefore, it has been classified as a Variant of Uncertain Significance. Advanced modeling of protein sequence and biophysical properties (such as structural, functional, and spatial information, amino acid conservation, physicochemical variation, residue mobility, and thermodynamic stability) performed at Invitae indicates that this missense variant is not expected to disrupt COL6A3 protein function. ClinVar contains an entry for this variant (Variation ID: 499195). This missense change has been observed in individual(s) with clinical features of COL6A3-related conditions (Invitae). This variant is not present in population databases (ExAC no frequency). This sequence change replaces serine with asparagine at codon 1809 of the COL6A3 protein (p.Ser1809Asn). The serine residue is moderately conserved and there is a small physicochemical difference between serine and asparagine.

Eurofins Ntd Llc (ga)
Classification: Uncertain significance. Last evaluated: 2016-12-28. Review status: criteria provided, single submitter. Criteria: EGL Classification Definitions 2015. Collection method: clinical testing. Allele origin: germline. Observed: 1 variant allele, 1 heterozygote.